The following is an entry in ClinVar:

ClinVar aggregate classification (germline): Conflicting classifications of pathogenicity. Review status: criteria provided, conflicting classifications (1 of 4 stars). 3 submissions from 3 submitters: Uncertain significance (1); Likely benign (2). Last evaluated 2025-05-08.

Conditions:
Microangiopathy and leukoencephalopathy, pontine, autosomal dominant. Also called: Pontine autosomal dominant microangiopathy with leukoencephalopathy; DEMENTIA, HEREDITARY MULTI-INFARCT, SWEDISH TYPE. Identifiers: Orphanet 477749, MedGen C5231411, MONDO:0032814, OMIM 618564.
Autosomal dominant familial hematuria-retinal arteriolar tortuosity-contractures syndrome. Also called: Hereditary Angiopathy with Nephropathy, Aneurysms, and Muscle Cramps (HANAC) Syndrome; Angiopathy, hereditary, with nephropathy, aneurysms, and muscle cramps. Identifiers: Orphanet 73229, MedGen C2673195, MONDO:0012726, OMIM 611773.
Brain small vessel disease 1 with or without ocular anomalies (BSVD1). Also called: GOULD SYNDROME 1; Brain small vessel disease with or without ocular anomalies; BRAIN SMALL VESSEL DISEASE WITH HEMORRHAGE; PORENCEPHALY, TYPE 1, AUTOSOMAL DOMINANT. Identifiers: Orphanet 2940, Orphanet 36383, Orphanet 99810, MedGen C4755307, MONDO:0008289, OMIM 175780.
Hemorrhage, intracerebral, susceptibility to (ICH). Also called: Stroke, hemorrhagic, susceptibility to. Identifiers: MedGen C3281105, MONDO:0100533, OMIM 614519.
Retinal arterial tortuosity. Also called: Retinal arteries, tortuosity of; RETINAL HEMORRHAGE WITH VASCULAR TORTUOSITY. Identifiers: Orphanet 75326, MedGen C0423401, MONDO:0008373, OMIM 180000, HP:0000631.

Allele frequency attached by ClinVar (database versions not stated): gnomAD exomes 0.00002 and 0.00003; gnomAD 0.00003 and 0.00004; TOPMed 0.00004; ExAC 0.00007.
gnomAD v4.1: 36 of 1,613,864 alleles (0.0022%); highest among the groups gnomAD compares: East Asian, 0.02%; no homozygotes.

Submissions (3):

Labcorp Genetics (formerly Invitae), Labcorp
Classification: Likely benign. Last evaluated: 2025-05-08. Review status: criteria provided, single submitter. Criteria: Invitae Variant Classification Sherloc (09022015). Collection method: clinical testing. Allele origin: germline.

CeGaT Center for Human Genetics Tuebingen
Classification: Likely benign. Last evaluated: 2022-04-01. Review status: criteria provided, single submitter. Criteria: CeGaT Center For Human Genetics Tuebingen Variant Classification Criteria Version 2. Collection method: clinical testing. Allele origin: germline. Affected: yes. Observed: 1 variant allele.
Comment: COL4A1: BP4, BP7

Fulgent Genetics
Classification: Uncertain significance for Brain small vessel disease 1 with or without ocular anomalies; Retinal arterial tortuosity; Autosomal dominant familial hematuria-retinal arteriolar tortuosity-contractures syndrome; Hemorrhage, intracerebral, susceptibility to; Microangiopathy and leukoencephalopathy, pontine, autosomal dominant. Last evaluated: 2022-02-18. Review status: criteria provided, single submitter. Criteria: ACMG Guidelines, 2015. Collection method: clinical testing. Allele origin: unknown.

NM_001845.6(COL4A1):c.1365C>T (p.Gly455=)

Genes: COL4A1 (collagen type IV alpha 1 chain; minus strand), LOC126861856 (BRD4-independent group 4 enhancer GRCh37_chr13:110846747-110847946; plus strand). Cytogenetic location: 13q34.
Variant type: single nucleotide variant.
Coding change: c.1365C>T on transcript NM_001845.6 (MANE Select); coding-DNA position 1365, C replaced by T.
Protein change: p.Gly455=; no amino-acid change (glycine 455 retained).
Molecular consequence: synonymous variant.
Genome position (GRCh38, 1-based): chr13:110,195,039, G>A on the plus strand (C>T on the coding strand, the complement: COL4A1 is on the minus strand). VCF-style: chr13-110195039-G-A. GRCh37 (hg19) VCF-style: chr13-110847386-G-A.
Other names: c.1365C>T, p.Gly455= (NM_001303110.2).
Identifiers: ClinVar variation 1473186 (VCV001473186.33), dbSNP rs576636085, ClinGen allele CA7047981.